The following is an entry in ClinVar:

ClinVar aggregate classification (germline): Conflicting classifications of pathogenicity. Review status: criteria provided, conflicting classifications (1 of 4 stars). 2 submissions from 2 submitters: Uncertain significance (1); Likely benign (1). Last evaluated 2023-07-19.

Conditions:
Erythrocytosis, familial, 3 (ECYT3). Identifiers: Orphanet 247511, MedGen C1853286, MONDO:0012353, OMIM 609820.

Allele frequency attached by ClinVar (database versions not stated): gnomAD exomes 0.00002 and 0.00004; ExAC 0.00007.
gnomAD v4.1: 39 of 1,614,096 alleles (0.0024%); highest among the groups gnomAD compares: Non-Finnish European, 0.0025%; no homozygotes.

Submissions (2):

Labcorp Genetics (formerly Invitae), Labcorp
Classification: Uncertain significance for Erythrocytosis, familial, 3. Last evaluated: 2023-07-19. Review status: criteria provided, single submitter. Criteria: Invitae Variant Classification Sherloc (09022015). Collection method: clinical testing. Allele origin: germline.
Comment: This variant is present in population databases (rs748926816, gnomAD 0.009%). In summary, the available evidence is currently insufficient to determine the role of this variant in disease. Therefore, it has been classified as a Variant of Uncertain Significance. An algorithm developed to predict the effect of missense changes on protein structure and function (PolyPhen-2) suggests that this variant is likely to be tolerated. ClinVar contains an entry for this variant (Variation ID: 661092). This variant has not been reported in the literature in individuals affected with EGLN1-related conditions. This sequence change replaces asparagine, which is neutral and polar, with serine, which is neutral and polar, at codon 415 of the EGLN1 protein (p.Asn415Ser).

Ambry Genetics
Classification: Likely benign. Last evaluated: 2022-08-22. Review status: criteria provided, single submitter. Criteria: Ambry Variant Classification Scheme 2023. Collection method: clinical testing. Allele origin: germline.

NM_022051.3(EGLN1):c.1244A>G (p.Asn415Ser)

Gene: EGLN1 (egl-9 family hypoxia inducible factor 1; minus strand). Cytogenetic location: 1q42.2.
Variant type: single nucleotide variant.
Coding change: c.1244A>G on transcript NM_022051.3 (MANE Select); coding-DNA position 1244, A replaced by G.
Protein change: p.Asn415Ser; replaces asparagine 415 with serine.
Molecular consequence: missense variant. On other transcripts: 3 prime UTR variant (2).
Genome position (GRCh38, 1-based): chr1:231,366,448, T>C on the plus strand (A>G on the coding strand, the complement: EGLN1 is on the minus strand). VCF-style: chr1-231366448-T-C. GRCh37 (hg19) VCF-style: chr1-231502194-T-C.
Other names: c.*24A>G (NM_001377260.1); c.*69A>G (NM_001377261.1); short protein forms N415S.
Identifiers: ClinVar variation 661092 (VCV000661092.8), dbSNP rs748926816, ClinGen allele CA1452962.
Genomic context (GRCh38, chr1:231,366,448, plus strand): 5'-GGGGTATTGCTGGATCAAAGGCTCTAGAAGACGTCTTTACCGACCGAATCTGAAGGTTTA[T>C]TGAGTTCAACCCTCACACCTTTTTCACCTGCAAGGTAAAAAAAAAAAAAATTTTCATTCA-3'
Protein context (NP_071334.1, residues 405-425): TGEKGVRVEL[Asn415Ser]KPSDSVGKDV